The following is an entry in ClinVar:

NM_004415.4(DSP):c.950G>A (p.Ser317Asn)

Gene: DSP (desmoplakin; plus strand). Cytogenetic location: 6p24.3.
Variant type: single nucleotide variant.
Coding change: c.950G>A on transcript NM_004415.4 (MANE Select); coding-DNA position 950, G replaced by A.
Protein change: p.Ser317Asn; replaces serine 317 with asparagine.
Molecular consequence: missense variant.
Genome position (GRCh38, 1-based): chr6:7,566,387, G>A. VCF-style: chr6-7566387-G-A. GRCh37 (hg19) VCF-style: chr6-7566620-G-A.
Other names: c.950G>A, p.Ser317Asn (NM_001008844.3, NM_001319034.2, NM_001406591.1); short protein forms S317N.
Identifiers: ClinVar variation 3224261 (VCV003224261.1), dbSNP rs1581800338, ClinGen allele CA362674769.
Genomic context (GRCh38, chr6:7,566,387, plus strand): 5'-AAGTTTAATGATGACTTGCTGCAAAGGATTTCTTATTTCTTCATTCACAGATACGCATGA[G>A]TCAACTGGAAGTTAAAGAAAAAGAGCTCAATAAGCTGAAACAAGAAAGTGACCAACTTGT-3'
Protein context (NP_004406.2, residues 307-327): QKQEAFSIRM[Ser317Asn]QLEVKEKELN

ClinVar aggregate classification (germline): Uncertain significance (1 of 4 stars; one submission).

Conditions:
Cardiovascular phenotype. Identifiers: MedGen CN230736.

Allele frequency attached by ClinVar (database versions not stated): gnomAD exomes below 0.00001.
gnomAD v4.1: 6 of 1,613,364 alleles (0.00037%); highest among the groups gnomAD compares: Non-Finnish European, 0.00051%; no homozygotes.

Submission:

Ambry Genetics
Classification: Uncertain significance for Cardiovascular phenotype. Last evaluated: 2023-10-11. Review status: criteria provided, single submitter. Criteria: Ambry Variant Classification Scheme 2023. Collection method: clinical testing. Allele origin: germline.
Comment: The p.S317N variant (also known as c.950G>A), located in coding exon 8 of the DSP gene, results from a G to A substitution at nucleotide position 950. The serine at codon 317 is replaced by asparagine, an amino acid with highly similar properties. This variant has been detected in an individual from a pediatric dilated cardiomyopathy cohort (Mazzarotto F et al. Circulation, 2020 Feb;141:387-398). This amino acid position is well conserved in available vertebrate species. In addition, this alteration is predicted to be tolerated by in silico analysis. Since supporting evidence is limited at this time, the clinical significance of this alteration remains unclear.

Literature cited by the submitters: PubMed 31983221.